The following is an entry in ClinVar:

ClinVar aggregate classification (germline): Uncertain significance. Review status: criteria provided, multiple submitters, no conflicts (2 of 4 stars). 5 submissions from 5 submitters: Uncertain significance (5). Last evaluated 2024-11-27.

Conditions:
LRP2-related disorder. Also called: LRP2-related condition.

Allele frequency attached by ClinVar (database versions not stated): gnomAD exomes 0.00004 and 0.00007; ExAC 0.00007; ESP Exome Variant Server 0.00008; TOPMed 0.00009; gnomAD 0.00010.
gnomAD v4.1: 126 of 1,613,766 alleles (0.0078%); highest among the groups gnomAD compares: African/African-American, 0.013%; no homozygotes.

Submissions (5):

PreventionGenetics, part of Exact Sciences
Classification: Uncertain significance for LRP2-related condition. Last evaluated: 2024-11-27. Review status: criteria provided, single submitter. Criteria: ACMG Guidelines, 2015. Collection method: clinical testing. Allele origin: germline.
Comment: The LRP2 c.2063G>A variant is predicted to result in the amino acid substitution p.Arg688His. This variant has not been reported in a patient with a LRP2 related disorder. This variant is reported in 0.016% of alleles in individuals of African descent in gnomAD. At this time, the clinical significance of this variant is uncertain due to the absence of conclusive functional and genetic evidence.

Blueprint Genetics
Classification: Uncertain significance. Last evaluated: 2024-05-08. Review status: criteria provided, single submitter. Criteria: ACMG Guidelines, 2015. Collection method: clinical testing. Allele origin: germline.

Labcorp Genetics (formerly Invitae), Labcorp
Classification: Uncertain significance. Last evaluated: 2022-08-22. Review status: criteria provided, single submitter. Criteria: Invitae Variant Classification Sherloc (09022015). Collection method: clinical testing. Allele origin: germline.
Comment: This sequence change replaces arginine, which is basic and polar, with histidine, which is basic and polar, at codon 688 of the LRP2 protein (p.Arg688His). This variant is present in population databases (rs148943767, gnomAD 0.02%). This variant has not been reported in the literature in individuals affected with LRP2-related conditions. ClinVar contains an entry for this variant (Variation ID: 808885). Advanced modeling of protein sequence and biophysical properties (such as structural, functional, and spatial information, amino acid conservation, physicochemical variation, residue mobility, and thermodynamic stability) performed at Invitae indicates that this missense variant is not expected to disrupt LRP2 protein function. In summary, the available evidence is currently insufficient to determine the role of this variant in disease. Therefore, it has been classified as a Variant of Uncertain Significance.

CeGaT Center for Human Genetics Tuebingen
Classification: Uncertain significance. Last evaluated: 2018-12-01. Review status: criteria provided, single submitter. Criteria: CeGaT Center For Human Genetics Tuebingen Variant Classification Criteria Version 2. Collection method: clinical testing. Allele origin: germline. Affected: yes. Observed: 3 variant alleles.

Breakthrough Genomics
Classification: Uncertain significance. Review status: criteria provided, single submitter. Criteria: ACMG Guidelines, 2015. Collection method: not provided. Allele origin: germline. Inheritance: Autosomal recessive inheritance. Affected: yes.

NM_004525.3(LRP2):c.2063G>A (p.Arg688His)

Gene: LRP2 (LDL receptor related protein 2; minus strand). Cytogenetic location: 2q31.1.
Variant type: single nucleotide variant.
Coding change: c.2063G>A on transcript NM_004525.3 (MANE Select); coding-DNA position 2063, G replaced by A.
Protein change: p.Arg688His; replaces arginine 688 with histidine.
Molecular consequence: missense variant.
Genome position (GRCh38, 1-based): chr2:169,272,980, C>T on the plus strand (G>A on the coding strand, the complement: LRP2 is on the minus strand). VCF-style: chr2-169272980-C-T. GRCh37 (hg19) VCF-style: chr2-170129490-C-T.
Other names: c.2063G>A (NM_004525.2); short protein forms R688H.
Identifiers: ClinVar variation 808885 (VCV000808885.47), dbSNP rs148943767, ClinGen allele CA1955400.